The following is an entry in ClinVar:

ClinVar aggregate classification (germline): Uncertain significance (1 of 4 stars; one submission).

Submission:

Women's Health and Genetics/Laboratory Corporation of America, LabCorp
Classification: Uncertain significance. Last evaluated: 2022-03-24. Review status: criteria provided, single submitter. Criteria: LabCorp Variant Classification Summary - May 2015. Collection method: clinical testing. Allele origin: germline.
Comment: Variant summary: PIK3CA c.317G>A (p.Gly106Asp) results in a non-conservative amino acid change located in the Phosphatidylinositol 3-kinase, adaptor-binding domain (IPR003113) of the encoded protein sequence. Four of five in-silico tools predict a damaging effect of the variant on protein function. The variant was absent in 227650 control chromosomes (gnomAD). The available data on variant occurrences in the general population are insufficient to allow any conclusion about variant significance. To our knowledge, no occurrence of c.317G>A in individuals affected with PIK3CA-Associated Segmental Overgrowth and no experimental evidence demonstrating its impact on protein function have been reported. No clinical diagnostic laboratories have submitted clinical-significance assessments for this variant to ClinVar after 2014. Based on the evidence outlined above, the variant was classified as uncertain significance.

NM_006218.4(PIK3CA):c.317G>A (p.Gly106Asp)

Gene: PIK3CA (phosphatidylinositol-4,5-bisphosphate 3-kinase catalytic subunit alpha; plus strand). Cytogenetic location: 3q26.32.
Variant type: single nucleotide variant.
Coding change: c.317G>A on transcript NM_006218.4 (MANE Select); coding-DNA position 317, G replaced by A.
Protein change: p.Gly106Asp; replaces glycine 106 with aspartic acid.
Molecular consequence: missense variant.
Genome position (GRCh38, 1-based): chr3:179,199,142, G>A. VCF-style: chr3-179199142-G-A. GRCh37 (hg19) VCF-style: chr3-178916930-G-A.
Other names: short protein forms G106D.
Identifiers: ClinVar variation 1677187 (VCV001677187.1), dbSNP rs1057519930, ClinGen allele CA355272678.